The following is an entry in ClinVar:

NM_014915.3(ANKRD26):c.244A>T (p.Thr82Ser)

Gene: ANKRD26 (ankyrin repeat domain 26; minus strand). Cytogenetic location: 10p12.1.
Variant type: single nucleotide variant.
Coding change: c.244A>T on transcript NM_014915.3 (MANE Select); coding-DNA position 244, A replaced by T.
Protein change: p.Thr82Ser; replaces threonine 82 with serine.
Molecular consequence: missense variant.
Genome position (GRCh38, 1-based): chr10:27,093,798, T>A on the plus strand (A>T on the coding strand, the complement: ANKRD26 is on the minus strand). VCF-style: chr10-27093798-T-A. GRCh37 (hg19) VCF-style: chr10-27382727-T-A.
Other names: c.244A>T, p.Thr82Ser (NM_001256053.2); short protein forms T82S.
Identifiers: ClinVar variation 5023734 (VCV005023734.1).

ClinVar aggregate classification (germline): Uncertain significance (1 of 4 stars; one submission).

Conditions:
Inborn genetic diseases. Identifiers: MedGen C0950123, MeSH D030342.

Submission:

Ambry Genetics
Classification: Uncertain significance for Inborn genetic diseases. Last evaluated: 2026-08-31. Review status: criteria provided, single submitter. Criteria: Ambry Variant Classification Scheme 2023. Collection method: clinical testing. Allele origin: germline.
Comment: The p.T82S variant (also known as c.244A>T), located in coding exon 2 of the ANKRD26 gene, results from an A to T substitution at nucleotide position 244. The threonine at codon 82 is replaced by serine, an amino acid with similar properties. This amino acid position is conserved. In addition, this alteration is predicted to be tolerated by in silico analysis. Based on the available evidence, the clinical significance of this variant remains unclear.